The following is an entry in ClinVar:

NM_147127.5(EVC2):c.1345C>T (p.Arg449Trp)

Genes: EVC2 (EvC ciliary complex subunit 2; minus strand), LOC126806961 (BRD4-independent group 4 enhancer GRCh37_chr4:5641443-5642642; plus strand). Cytogenetic location: 4p16.2.
Variant type: single nucleotide variant.
Coding change: c.1345C>T on transcript NM_147127.5 (MANE Select); coding-DNA position 1345, C replaced by T.
Protein change: p.Arg449Trp; replaces arginine 449 with tryptophan.
Molecular consequence: missense variant.
Genome position (GRCh38, 1-based): chr4:5,640,639, G>A on the plus strand (C>T on the coding strand, the complement: EVC2 is on the minus strand). VCF-style: chr4-5640639-G-A. GRCh37 (hg19) VCF-style: chr4-5642366-G-A.
Other names: c.1105C>T, p.Arg369Trp (NM_001166136.2); short protein forms R369W, R449W.
Identifiers: ClinVar variation 2039223 (VCV002039223.4), dbSNP rs778943940, ClinGen allele CA2835088.

ClinVar aggregate classification (germline): Uncertain significance. Review status: criteria provided, multiple submitters, no conflicts (2 of 4 stars). 2 submissions from 2 submitters: Uncertain significance (2). Last evaluated 2025-07-27.

Conditions:
Ellis-van Creveld syndrome (EVC). Also called: MESOECTODERMAL DYSPLASIA; Chondroectodermal dysplasia. Identifiers: Orphanet 289, MedGen C0013903, MONDO:0009162, OMIM 225500.
Curry-Hall syndrome (WAD). Also called: WEYERS ACRODENTAL DYSOSTOSIS. Identifiers: Orphanet 952, MedGen C0457013, MONDO:0008673, OMIM 193530.

Allele frequency attached by ClinVar (database versions not stated): TOPMed 0.00003; ExAC 0.00006; gnomAD 0.00006.
gnomAD v4.1: 74 of 1,613,872 alleles (0.0046%); highest among the groups gnomAD compares: East Asian, 0.018%; no homozygotes.

Submissions (2):

Labcorp Genetics (formerly Invitae), Labcorp
Classification: Uncertain significance for Curry-Hall syndrome; Ellis-van Creveld syndrome. Last evaluated: 2025-07-27. Review status: criteria provided, single submitter. Criteria: Invitae Variant Classification Sherloc (09022015). Collection method: clinical testing. Allele origin: germline.
Comment: This sequence change replaces arginine, which is basic and polar, with tryptophan, which is neutral and slightly polar, at codon 449 of the EVC2 protein (p.Arg449Trp). This variant is present in population databases (rs778943940, gnomAD 0.03%). This variant has not been reported in the literature in individuals affected with EVC2-related conditions. ClinVar contains an entry for this variant (Variation ID: 2039223). An algorithm developed to predict the effect of missense changes on protein structure and function (PolyPhen-2) suggests that this variant is likely to be disruptive. In summary, the available evidence is currently insufficient to determine the role of this variant in disease. Therefore, it has been classified as a Variant of Uncertain Significance.

Blueprint Genetics
Classification: Uncertain significance. Last evaluated: 2022-10-05. Review status: criteria provided, single submitter. Criteria: ACMG Guidelines, 2015. Collection method: clinical testing. Allele origin: germline.